The following is an entry in ClinVar:

ClinVar aggregate classification (germline): Uncertain significance (1 of 4 stars; one submission).

Conditions:
Long QT syndrome 1 (LQT1). Identifiers: Orphanet 101016, Orphanet 768, MedGen C4551647, MONDO:0100316, OMIM 192500, MONDO:0008646.

Submission:

Labcorp Genetics (formerly Invitae), Labcorp
Classification: Uncertain significance for Long QT syndrome 1. Last evaluated: 2022-09-13. Review status: criteria provided, single submitter. Criteria: Invitae Variant Classification Sherloc (09022015). Collection method: clinical testing. Allele origin: germline.
Comment: ClinVar contains an entry for this variant (Variation ID: 1353411). This variant has not been reported in the literature in individuals affected with CALM2-related conditions. This variant is not present in population databases (gnomAD no frequency). This sequence change replaces asparagine, which is neutral and polar, with serine, which is neutral and polar, at codon 61 of the CALM2 protein (p.Asn61Ser). In summary, the available evidence is currently insufficient to determine the role of this variant in disease. Therefore, it has been classified as a Variant of Uncertain Significance. Algorithms developed to predict the effect of missense changes on protein structure and function are either unavailable or do not agree on the potential impact of this missense change (SIFT: "Deleterious"; PolyPhen-2: "Benign"; Align-GVGD: "Class C45").

NM_001743.6(CALM2):c.182A>G (p.Asn61Ser)

Gene: CALM2 (calmodulin 2; minus strand). Cytogenetic location: 2p21.
Variant type: single nucleotide variant.
Coding change: c.182A>G on transcript NM_001743.6 (MANE Select); coding-DNA position 182, A replaced by G.
Protein change: p.Asn61Ser; replaces asparagine 61 with serine.
Molecular consequence: missense variant.
Genome position (GRCh38, 1-based): chr2:47,162,389, T>C on the plus strand (A>G on the coding strand, the complement: CALM2 is on the minus strand). VCF-style: chr2-47162389-T-C. GRCh37 (hg19) VCF-style: chr2-47389528-T-C.
Other names: c.326A>G, p.Asn109Ser (NM_001305624.1); c.74A>G, p.Asn25Ser (NM_001305625.2, NM_001305626.1); short protein forms N25S, N109S, N61S.
Identifiers: ClinVar variation 1353411 (VCV001353411.8), dbSNP rs2103825319, ClinGen allele CA346719643.